The following is an entry in ClinVar:

NM_001164508.2(NEB):c.10861C>G (p.Leu3621Val)

Gene: NEB (nebulin; minus strand). Cytogenetic location: 2q23.3.
Variant type: single nucleotide variant.
Coding change: c.10861C>G on transcript NM_001164508.2 (MANE Select); coding-DNA position 10861, C replaced by G.
Protein change: p.Leu3621Val; replaces leucine 3621 with valine.
Molecular consequence: missense variant.
Genome position (GRCh38, 1-based): chr2:151,619,462, G>C on the plus strand (C>G on the coding strand, the complement: NEB is on the minus strand). VCF-style: chr2-151619462-G-C. GRCh37 (hg19) VCF-style: chr2-152475976-G-C.
Other names: c.10861C>G, p.Leu3621Val (NM_001164507.2, NM_001271208.2); c.10132C>G, p.Leu3378Val (NM_004543.5); short protein forms L3621V, L3378V.
Identifiers: ClinVar variation 648786 (VCV000648786.1), dbSNP rs1573934764, ClinGen allele CA348787399.

ClinVar aggregate classification (germline): Uncertain significance (1 of 4 stars; one submission).

Conditions:
Nemaline myopathy 2 (NEM2). Also called: Nemaline myopathy 2, autosomal recessive. Identifiers: MedGen C1850569, MONDO:0009725, OMIM 256030.

Submission:

Labcorp Genetics (formerly Invitae), Labcorp
Classification: Uncertain significance for Nemaline myopathy 2. Last evaluated: 2018-08-20. Review status: criteria provided, single submitter. Criteria: Invitae Variant Classification Sherloc (09022015). Collection method: clinical testing. Allele origin: germline.
Comment: This sequence change replaces leucine with valine at codon 3621 of the NEB protein (p.Leu3621Val). The leucine residue is moderately conserved and there is a small physicochemical difference between leucine and valine. This variant is not present in population databases (ExAC no frequency). This variant has not been reported in the literature in individuals with NEB-related disease. Algorithms developed to predict the effect of missense changes on protein structure and function are either unavailable or do not agree on the potential impact of this missense change (SIFT: "Deleterious"; PolyPhen-2: "Not Available"; Align-GVGD: "Class C0"). In summary, the available evidence is currently insufficient to determine the role of this variant in disease. Therefore, it has been classified as a Variant of Uncertain Significance.